The following is an entry in ClinVar:

ClinVar aggregate classification (germline): Pathogenic (1 of 4 stars; one submission).

Conditions:
Microcephaly 2, primary, autosomal recessive, with or without cortical malformations. Also called: WDR62 Primary Microcephaly; MICROCEPHALY 2, PRIMARY, AUTOSOMAL RECESSIVE, WITH CORTICAL MALFORMATIONS. Identifiers: Orphanet 2512, MedGen C1858535, MONDO:0011435, OMIM 604317.

Submission:

3billion
Classification: Pathogenic for Microcephaly 2, primary, autosomal recessive, with or without cortical malformations. Last evaluated: 2022-03-22. Review status: criteria provided, single submitter. Criteria: ACMG Guidelines, 2015. Collection method: clinical testing. Allele origin: germline. Affected: yes. Observed: 1 homozygote.
Comment: Frameshift: predicted to result in a loss or disruption of normal protein function through nonsense-mediated decay (NMD) or protein truncation. Multiple pathogenic variants are reported downstream of the variant. The variant is observed at an extremely low frequency in the gnomAD v2.1.1 dataset (total allele frequency:0.0000040). Therefore, this variant is classified as pathogenic according to the recommendation of ACMG/AMP guideline.

NM_001083961.2(WDR62):c.250dup (p.His84fs)

Gene: WDR62 (WD repeat domain 62; plus strand). Cytogenetic location: 19q13.12.
Variant type: Duplication.
Coding change: c.250dup on transcript NM_001083961.2 (MANE Select); coding-DNA position 250, one base duplicated (C; older notation c.250dupC).
Protein change: p.His84fs; shifts the reading frame from histidine 84.
Molecular consequence: frameshift variant.
Genome position (GRCh38, 1-based): chr19:36,058,852, C duplicated; the last of 2 consecutive C bases (chr19:36,058,851-36,058,852); duplicating either gives the same sequence. VCF-style (leftmost placement, unchanged base first): chr19-36058850-G-GC. GRCh37 (hg19) VCF-style: chr19-36549752-G-GC.
Other names: c.250dup, p.His84fs (NM_173636.5); short protein forms H84fs.
Identifiers: ClinVar variation 1526085 (VCV001526085.1), dbSNP rs1234259290, ClinGen allele CA632780142.